The following is an entry in ClinVar:

NM_004329.3(BMPR1A):c.1422G>A (p.Val474=)

Gene: BMPR1A (bone morphogenetic protein receptor type 1A; plus strand). Cytogenetic location: 10q23.2.
Variant type: single nucleotide variant.
Coding change: c.1422G>A on transcript NM_004329.3 (MANE Select); coding-DNA position 1422, G replaced by A.
Protein change: p.Val474=; no amino-acid change (valine 474 retained).
Molecular consequence: synonymous variant.
Genome position (GRCh38, 1-based): chr10:86,923,455, G>A. VCF-style: chr10-86923455-G-A. GRCh37 (hg19) VCF-style: chr10-88683212-G-A.
Identifiers: ClinVar variation 460485 (VCV000460485.16), dbSNP rs760220938, ClinGen allele CA5585716.

ClinVar aggregate classification (germline): Benign/Likely benign. Review status: criteria provided, multiple submitters, no conflicts (2 of 4 stars). 4 submissions from 4 submitters: Benign (1); Likely benign (3). Last evaluated 2025-07-22.

Conditions:
Juvenile polyposis syndrome (JPS). Identifiers: Orphanet 2929, MedGen C0345893, MONDO:0017380, OMIM 174900.
Hereditary cancer-predisposing syndrome. Also called: Hereditary neoplastic syndrome; Neoplastic Syndromes, Hereditary; Tumor predisposition; Hereditary Cancer Syndrome. Identifiers: Orphanet 140162, MedGen C0027672, MeSH D009386, MONDO:0015356.

Allele frequency attached by ClinVar (database versions not stated): gnomAD exomes 0.00001 and 0.00003; ExAC 0.00002.
gnomAD v4.1: 13 of 1,614,252 alleles (0.00081%); highest among the groups gnomAD compares: South Asian, 0.011%; no homozygotes.

Submissions (4):

Labcorp Genetics (formerly Invitae), Labcorp
Classification: Likely benign for Juvenile polyposis syndrome. Last evaluated: 2025-07-22. Review status: criteria provided, single submitter. Criteria: Invitae Variant Classification Sherloc (09022015). Collection method: clinical testing. Allele origin: germline.

Myriad Genetics, Inc.
Classification: Benign for Juvenile polyposis syndrome. Last evaluated: 2024-08-08. Review status: criteria provided, single submitter. Criteria: Myriad Autosomal Dominant, Autosomal Recessive and X-Linked Classification Criteria (2023). Collection method: clinical testing. Allele origin: unknown.
Comment: This variant is considered benign. This variant is a silent/synonymous amino acid change and it is not expected to impact splicing.

Ambry Genetics
Classification: Likely benign for Hereditary cancer-predisposing syndrome. Last evaluated: 2020-05-15. Review status: criteria provided, single submitter. Criteria: Ambry Variant Classification Scheme 2023. Collection method: clinical testing. Allele origin: germline.

Color Diagnostics, LLC DBA Color Health
Classification: Likely benign for Hereditary cancer-predisposing syndrome. Last evaluated: 2016-11-17. Review status: criteria provided, single submitter. Criteria: ACMG Guidelines, 2015. Collection method: clinical testing. Allele origin: germline.